The following is an entry in ClinVar:

NM_144997.7(FLCN):c.1087A>G (p.Met363Val)

Gene: FLCN (folliculin; minus strand). Cytogenetic location: 17p11.2.
Variant type: single nucleotide variant.
Coding change: c.1087A>G on transcript NM_144997.7 (MANE Select); coding-DNA position 1087, A replaced by G.
Protein change: p.Met363Val; replaces methionine 363 with valine.
Molecular consequence: missense variant.
Genome position (GRCh38, 1-based): chr17:17,217,158, T>C on the plus strand (A>G on the coding strand, the complement: FLCN is on the minus strand). VCF-style: chr17-17217158-T-C. GRCh37 (hg19) VCF-style: chr17-17120472-T-C.
Other names: c.1141A>G, p.Met381Val (NM_001353229.2); c.1087A>G, p.Met363Val (NM_001353230.2, NM_001353231.2); short protein forms M363V, M381V.
Identifiers: ClinVar variation 963714 (VCV000963714.9), dbSNP rs1313891453, ClinGen allele CA398532362.

ClinVar aggregate classification (germline): Uncertain significance. Review status: criteria provided, multiple submitters, no conflicts (2 of 4 stars). 2 submissions from 2 submitters: Uncertain significance (2). Last evaluated 2026-01-26.

Conditions:
Hereditary cancer-predisposing syndrome. Also called: Hereditary neoplastic syndrome; Tumor predisposition; Neoplastic Syndromes, Hereditary; Hereditary Cancer Syndrome. Identifiers: Orphanet 140162, MedGen C0027672, MeSH D009386, MONDO:0015356.
Birt-Hogg-Dube syndrome. Also called: Birt Hogg Dubé syndrome. Identifiers: Orphanet 122, MedGen C0346010, MONDO:0800444.

Submissions (2):

Labcorp Genetics (formerly Invitae), Labcorp
Classification: Uncertain significance for Birt-Hogg-Dube syndrome. Last evaluated: 2026-01-26. Review status: criteria provided, single submitter. Criteria: Invitae Variant Classification Sherloc (09022015). Collection method: clinical testing. Allele origin: germline.
Comment: This sequence change replaces methionine, which is neutral and non-polar, with valine, which is neutral and non-polar, at codon 363 of the FLCN protein (p.Met363Val). This variant is not present in population databases (gnomAD no frequency). This variant has not been reported in the literature in individuals affected with FLCN-related conditions. ClinVar contains an entry for this variant (Variation ID: 963714). Invitae Evidence Modeling of protein sequence and biophysical properties (such as structural, functional, and spatial information, amino acid conservation, physicochemical variation, residue mobility, and thermodynamic stability) indicates that this missense variant is not expected to disrupt FLCN protein function with a negative predictive value of 80%. In summary, the available evidence is currently insufficient to determine the role of this variant in disease. Therefore, it has been classified as a Variant of Uncertain Significance.

Ambry Genetics
Classification: Uncertain significance for Hereditary cancer-predisposing syndrome. Last evaluated: 2023-06-17. Review status: criteria provided, single submitter. Criteria: Ambry Variant Classification Scheme 2023. Collection method: clinical testing. Allele origin: germline.
Comment: The p.M363V variant (also known as c.1087A>G), located in coding exon 7 of the FLCN gene, results from an A to G substitution at nucleotide position 1087. The methionine at codon 363 is replaced by valine, an amino acid with highly similar properties. This amino acid position is conserved. In addition, this alteration is predicted to be tolerated by in silico analysis. Since supporting evidence is limited at this time, the clinical significance of this alteration remains unclear.